The following is an entry in ClinVar:

NM_004385.5(VCAN):c.7267G>C (p.Asp2423His)

Genes: VCAN (versican; plus strand), VCAN-AS1 (VCAN antisense RNA 1; minus strand). Cytogenetic location: 5q14.3.
Variant type: single nucleotide variant.
Coding change: c.7267G>C on transcript NM_004385.5 (MANE Select); coding-DNA position 7267, G replaced by C.
Protein change: p.Asp2423His; replaces aspartic acid 2423 with histidine.
Molecular consequence: missense variant. On other transcripts: intron variant (2).
Genome position (GRCh38, 1-based): chr5:83,540,270, G>C. VCF-style: chr5-83540270-G-C. GRCh37 (hg19) VCF-style: chr5-82836089-G-C.
Other names: c.4306G>C, p.Asp1436His (NM_001164097.2); c.4004-5267G>C (NM_001164098.2); c.1043-5267G>C (NM_001126336.3); short protein forms D1436H, D2423H.
Identifiers: ClinVar variation 1471366 (VCV001471366.6), dbSNP rs2112446868, ClinGen allele CA360314375.

ClinVar aggregate classification (germline): Uncertain significance (1 of 4 stars; one submission).

Allele frequency attached by ClinVar (database versions not stated): gnomAD exomes below 0.00001.

Submission:

Labcorp Genetics (formerly Invitae), Labcorp
Classification: Uncertain significance. Last evaluated: 2021-09-03. Review status: criteria provided, single submitter. Criteria: Invitae Variant Classification Sherloc (09022015). Collection method: clinical testing. Allele origin: germline.
Comment: This sequence change replaces aspartic acid with histidine at codon 2423 of the VCAN protein (p.Asp2423His). The aspartic acid residue is highly conserved and there is a moderate physicochemical difference between aspartic acid and histidine. This variant is not present in population databases (ExAC no frequency). This variant has not been reported in the literature in individuals affected with VCAN-related conditions. Algorithms developed to predict the effect of missense changes on protein structure and function output the following: SIFT: "Tolerated"; PolyPhen-2: "Benign"; Align-GVGD: "Class C0". The histidine amino acid residue is found in multiple mammalian species, which suggests that this missense change does not adversely affect protein function. In summary, the available evidence is currently insufficient to determine the role of this variant in disease. Therefore, it has been classified as a Variant of Uncertain Significance.